The following is an entry in ClinVar:

ClinVar aggregate classification (germline): Uncertain significance. Review status: criteria provided, multiple submitters, no conflicts (2 of 4 stars). 2 submissions from 2 submitters: Uncertain significance (2). Last evaluated 2026-07-29.

Conditions:
Hereditary cancer-predisposing syndrome. Also called: Tumor predisposition; Neoplastic Syndromes, Hereditary; Hereditary Cancer Syndrome; Hereditary neoplastic syndrome. Identifiers: Orphanet 140162, MedGen C0027672, MeSH D009386, MONDO:0015356.
Ataxia-telangiectasia syndrome (AT). Also called: LOUIS-BAR SYNDROME; Cerebello-oculocutaneous telangiectasia; Immunodeficiency with ataxia telangiectasia; Ataxia telangiectasia (A-T); Ataxia-telangiectasia, complementation group D; AT, COMPLEMENTATION GROUP C. Identifiers: Orphanet 100, MedGen C0004135, MONDO:0008840, OMIM 208900.

Submissions (2):

Ambry Genetics
Classification: Uncertain significance for Hereditary cancer-predisposing syndrome. Last evaluated: 2026-07-29. Review status: criteria provided, single submitter. Criteria: Ambry Variant Classification Scheme 2023. Collection method: clinical testing. Allele origin: germline.
Comment: The p.P2648L variant (also known as c.7943C>T), located in coding exon 53 of the ATM gene, results from a C to T substitution at nucleotide position 7943. The proline at codon 2648 is replaced by leucine, an amino acid with similar properties. In an assay testing ATM function, this variant showed a functionally indeterminant result (Lee KS et al. Cell, 2025 Sep;188:5081-5099.e27). This amino acid position is highly conserved in available vertebrate species. In addition, the in silico prediction for this alteration is inconclusive. Based on the available evidence, the clinical significance of this variant remains unclear.

Labcorp Genetics (formerly Invitae), Labcorp
Classification: Uncertain significance for Ataxia-telangiectasia syndrome. Last evaluated: 2025-01-02. Review status: criteria provided, single submitter. Criteria: Invitae Variant Classification Sherloc (09022015). Collection method: clinical testing. Allele origin: germline.
Comment: This sequence change replaces proline, which is neutral and non-polar, with leucine, which is neutral and non-polar, at codon 2648 of the ATM protein (p.Pro2648Leu). This variant is not present in population databases (gnomAD no frequency). This variant has not been reported in the literature in individuals affected with ATM-related conditions. ClinVar contains an entry for this variant (Variation ID: 2847879). Invitae Evidence Modeling of protein sequence and biophysical properties (such as structural, functional, and spatial information, amino acid conservation, physicochemical variation, residue mobility, and thermodynamic stability) indicates that this missense variant is expected to disrupt ATM protein function with a positive predictive value of 95%. In summary, the available evidence is currently insufficient to determine the role of this variant in disease. Therefore, it has been classified as a Variant of Uncertain Significance.

Literature cited by the submitters: PubMed 40580951 (cited by Ambry Genetics).

NM_000051.4(ATM):c.7943C>T (p.Pro2648Leu)

Genes: ATM (ATM serine/threonine kinase; plus strand), C11orf65 (chromosome 11 open reading frame 65; minus strand). Cytogenetic location: 11q22.3.
Variant type: single nucleotide variant.
Coding change: c.7943C>T on transcript NM_000051.4 (MANE Select); coding-DNA position 7943, C replaced by T.
Protein change: p.Pro2648Leu; replaces proline 2648 with leucine.
Molecular consequence: missense variant. On other transcripts: intron variant (2).
Genome position (GRCh38, 1-based): chr11:108,333,901, C>T. VCF-style: chr11-108333901-C-T. GRCh37 (hg19) VCF-style: chr11-108204628-C-T.
Other names: c.7943C>T, p.Pro2648Leu (NM_001351834.2); c.641-24830G>A (NM_001330368.2); c.*38+1319G>A (NM_001351110.2); short protein forms P2648L.
Identifiers: ClinVar variation 2847879 (VCV002847879.4), dbSNP rs2136611744, ClinGen allele CA382561683.
Genomic context (GRCh38, chr11:108,333,901, plus strand): 5'-CTGTTCCTCAGTTTGTCACTAAAATCTCTTCATTTTTAAATACAGAAGGCATAAATATTC[C>T]AGCAGACCAGCCAATTACTAAACTTAAGAATTTAGAAGATGTTGTTGTCCCTACTATGGA-3'
Protein context (NP_000042.3, residues 2638-2658): WKTQRKGINI[Pro2648Leu]ADQPITKLKN